The following is an entry in ClinVar:

NM_001363.5(DKC1):c.361A>G (p.Ser121Gly)

Gene: DKC1 (dyskerin pseudouridine synthase 1; plus strand). Cytogenetic location: Xq28.
Variant type: single nucleotide variant.
Coding change: c.361A>G on transcript NM_001363.5 (MANE Select); coding-DNA position 361, A replaced by G.
Protein change: p.Ser121Gly; replaces serine 121 with glycine.
Molecular consequence: missense variant. On other transcripts: non-coding transcript variant (3).
Genome position (GRCh38, 1-based): chrX:154,766,313, A>G. VCF-style: chrX-154766313-A-G. GRCh37 (hg19) VCF-style: chrX-153994588-A-G.
Other names: c.361A>G, p.Ser121Gly (NM_001142463.3, NM_001288747.2); c.361A>G (NM_001363.4); short protein forms S121G.
Identifiers: ClinVar variation 11592 (VCV000011592.12), dbSNP rs121912305, ClinGen allele CA264767.

ClinVar aggregate classification (germline): Conflicting classifications of pathogenicity. Review status: criteria provided, conflicting classifications (1 of 4 stars). 7 submissions from 7 submitters: Likely pathogenic (3); Uncertain significance (1). 3 of the submissions do not count toward it. Last evaluated 2022-09-02.

Conditions:
DKC1-Related Disorders. Identifiers: MedGen CN380080.
Dyskeratosis congenita. Identifiers: Orphanet 1775, MedGen C0265965, MONDO:0015780.
Dyskeratosis congenita, X-linked (DKCX). Also called: Zinsser-Cole-Engman Syndrome. Identifiers: MedGen C1148551, MONDO:0010584, OMIM 305000.
Hoyeraal-Hreidarsson syndrome (HHS). Also called: CEREBELLAR HYPOPLASIA WITH PANCYTOPENIA. Identifiers: Orphanet 3322, MedGen C1846142, MONDO:0018045.

Submissions (7):

Victorian Clinical Genetics Services, Murdoch Childrens Research Institute
Classification: Likely pathogenic for Dyskeratosis congenita, X-linked. Last evaluated: 2022-09-02. Review status: criteria provided, single submitter. Criteria: ACMG Guidelines, 2015. Collection method: clinical testing. Allele origin: germline. Inheritance: X-linked recessive inheritance. Affected: yes.
Comment: Based on the classification scheme VCGS_Germline_v1.3.4, this variant is classified as Likely pathogenic. Following criteria are met: 0102 - Loss of function is a known mechanism of disease in this gene and is associated with X-linked dyskeratosis congenita (MIM#305000). (I) 0109 - This gene is associated with X-linked recessive disease. (I) 0115 - Variants in this gene are known to have variable expressivity. Hoyeraal-Hreidarsson syndrome is described as the clinically severe form of dyskeratosis congenita and p.(Ala353Val) has been reported in both (PMID: 25940403). In addition, it has been found that severity of dyskeratosis congenita correlates with telomere length (PMID: 16332973). (I) 0200 - Variant is predicted to result in a missense amino acid change from serine to glycine. (I) 0253 - This variant is hemizygous. (I) 0301 - Variant is absent from gnomAD (both v2 and v3). (SP) 0502 - Missense variant with conflicting in silico predictions and very high conservation. (I) 0603 - Missense variant in a region that is highly intolerant to missense variation (high constraint region in DECIPHER). (SP) 0710 - Another missense variant comparable to the one identified in this case has inconclusive previous evidence for pathogenicity. p.(Ser121Arg) waa identified in an individual from agranulocytosis and aplastic anaemia cohort however, its germline origin was not confirmed (PMID: 26360549). (I) 0802 - This variant has moderate previous evidence of pathogenicity in unrelated individuals. In addition, it has been reported twice in ClinVar by diagnostics laboratories with confirmed phenotypes of pancytopaenia, bone marrow aplasia with a confirmed diagnosis of DKC and bone marrow failure, leukoplakia, microcephaly, and developmental delay. (SP) 0905 - No published segregation evidence has been identified for this variant. (I) 1010 - Functional evidence for this variant is inconclusive. In vitro assays have found that this variant had no impact on binding of SHQ1, an assembly factor for telomerases. However, this is unsurprising as this variant lies within the catalytic domain of DKC1 protein (PMID: 19734544). (I) 1208 - Inheritance information for this variant is not currently available in this individual. (I) Legend: (SP) - Supporting pathogenic, (I) - Information, (SB) - Supporting benign

Labcorp Genetics (formerly Invitae), Labcorp
Classification: Uncertain significance for Dyskeratosis congenita. Last evaluated: 2020-12-03. Review status: criteria provided, single submitter. Criteria: Invitae Variant Classification Sherloc (09022015). Collection method: clinical testing. Allele origin: germline.
Comment: In summary, the available evidence is currently insufficient to determine the role of this variant in disease. Therefore, it has been classified as a Variant of Uncertain Significance. Algorithms developed to predict the effect of missense changes on protein structure and function are either unavailable or do not agree on the potential impact of this missense change (SIFT: "Deleterious"; PolyPhen-2: "Benign"; Align-GVGD: "Class C0"). This variant has been observed in individual(s) with Hoyeraal-Hreidarsson syndrome and with clinical features of DKC1-related disease (PMID: 10583221, 31027506). ClinVar contains an entry for this variant (Variation ID: 11592). This variant is not present in population databases (ExAC no frequency). This sequence change replaces serine with glycine at codon 121 of the DKC1 protein (p.Ser121Gly). The serine residue is highly conserved and there is a small physicochemical difference between serine and glycine.

Blueprint Genetics
Classification: Likely pathogenic for DKC1-related disorders. Last evaluated: 2019-10-07. Review status: criteria provided, single submitter. Criteria: ACMG Guidelines, 2015. Collection method: clinical testing. Allele origin: germline. Affected: yes. Observed: 2 variant alleles.

GeneDx
Classification: Likely pathogenic. Last evaluated: 2016-11-19. Review status: criteria provided, single submitter. Criteria: GeneDx Variant Classification (06012015). Collection method: clinical testing. Allele origin: germline. Affected: yes.
Comment: The S121G variant in the DKC1 gene has been reported in two brothers with a diagnosis of Hoyeraal-Hreidarsson syndrome (Knight et al., 2009; Aalfs et al., 1995). The S121G variant was not observed in approximately 6,500 individuals of European and African American ancestry in the NHLBI Exome Sequencing Project, indicating it is not a common benign variant in these populations. The S121G variant is a non-conservative amino acid substitution, which is likely to impact secondary protein structure as these residues differ in polarity, charge, size and/or other properties. This substitution occurs at a position within the protein's catalytic domain that is conserved across species (Vuilliamy et al., 2008). In silico analysis predicts this variant is probably damaging to the protein structure/function. The S121G variant is a strong candidate for a pathogenic variant, however the possibility it may be a rare benign variant cannot be excluded.

OMIM
Classification: Pathogenic for DYSKERATOSIS CONGENITA, X-LINKED. Last evaluated: 2009-12-01. Review status: no assertion criteria provided. Collection method: literature only. Allele origin: germline. Not counted in ClinVar's aggregate classification.

GeneReviews
No classification provided. Condition: Hoyeraal-Hreidarsson syndrome. Review status: no classification provided. Collection method: literature only. Allele origin: unknown. Not counted in ClinVar's aggregate classification.

UniProtKB/Swiss-Prot
No classification provided. Condition: Hoyeraal Hreidarsson syndrome. Review status: no classification provided. Collection method: not provided. Allele origin: germline. Not counted in ClinVar's aggregate classification.

Literature cited by the submitters: PubMed 10583221 (cited by 3 submitters); PubMed 16332973 (cited by Victorian Clinical Genetics Services, Murdoch Childrens Research Institute); PubMed 19734544 (cited by Victorian Clinical Genetics Services, Murdoch Childrens Research Institute and OMIM); PubMed 26360549 (cited by Victorian Clinical Genetics Services, Murdoch Childrens Research Institute); PubMed 31027506 (cited by Victorian Clinical Genetics Services, Murdoch Childrens Research Institute and Labcorp Genetics (formerly Invitae), Labcorp); PubMed 25940403 (cited by Victorian Clinical Genetics Services, Murdoch Childrens Research Institute); PubMed 7607282 (cited by OMIM); PubMed 20301779 (cited by GeneReviews); NCBI Bookshelf NBK22301 (cited by GeneReviews).